The following is an entry in ClinVar:

ClinVar aggregate classification (germline): Pathogenic/Likely pathogenic. Review status: criteria provided, multiple submitters, no conflicts (2 of 4 stars). 3 submissions from 3 submitters: Pathogenic (2); Likely pathogenic (1). Last evaluated 2024-12-21.

Conditions:
POLG-related disorder. Also called: POLG-related condition; POLG-Related Disorders; POLG-Related Spectrum Disorders. Identifiers: MedGen C4763519.
Progressive sclerosing poliodystrophy (MTDPS4A). Also called: NEURONAL DEGENERATION OF CHILDHOOD WITH LIVER DISEASE, PROGRESSIVE; Alpers-Huttenlocher Syndrome (AHS); Alpers Syndrome; ALPERS DIFFUSE DEGENERATION OF CEREBRAL GRAY MATTER WITH HEPATIC CIRRHOSIS; Alpers-Huttenlocher Syndrome; Mitochondrial DNA Depletion Syndrome 4A. Identifiers: Orphanet 726, MedGen C0205710, MONDO:0008758, OMIM 203700.

Submissions (3):

Myriad Genetics, Inc.
Classification: Pathogenic for POLG-related disorder. Last evaluated: 2024-12-21. Review status: criteria provided, single submitter. Criteria: Myriad Autosomal Dominant, Autosomal Recessive and X-Linked Classification Criteria (2023). Collection method: clinical testing. Allele origin: unknown.
Comment: NM_002693.2(POLG):c.1818delC(W607Gfs*62) is expected to be pathogenic in the context of POLG-related disorders. This variant is predicted to lead to an abnormal or absent protein product due to the creation of a premature termination codon in POLG, a gene where loss-of-function variants are known to be pathogenic. Please note: this variant was assessed in the context of healthy population screening.

Labcorp Genetics (formerly Invitae), Labcorp
Classification: Pathogenic for Progressive sclerosing poliodystrophy. Last evaluated: 2023-12-13. Review status: criteria provided, single submitter. Criteria: Invitae Variant Classification Sherloc (09022015). Collection method: clinical testing. Allele origin: germline.
Comment: This sequence change creates a premature translational stop signal (p.Trp607Glyfs*62) in the POLG gene. It is expected to result in an absent or disrupted protein product. Loss-of-function variants in POLG are known to be pathogenic (PMID: 18546365). This variant is not present in population databases (gnomAD no frequency). This variant has not been reported in the literature in individuals affected with POLG-related conditions. ClinVar contains an entry for this variant (Variation ID: 936926). For these reasons, this variant has been classified as Pathogenic.

Baylor Genetics
Classification: Likely pathogenic for Progressive sclerosing poliodystrophy. Last evaluated: 2023-11-22. Review status: criteria provided, single submitter. Criteria: ACMG Guidelines, 2015. Collection method: clinical testing. Allele origin: unknown.

Literature cited by the submitters: PubMed 18546365 (cited by Labcorp Genetics (formerly Invitae), Labcorp).

NM_002693.3(POLG):c.1818del (p.Trp607fs)

Gene: POLG (DNA polymerase gamma, catalytic subunit; minus strand). Cytogenetic location: 15q26.1.
Variant type: Deletion.
Coding change: c.1818del on transcript NM_002693.3 (MANE Select); coding-DNA position 1818, one base deleted (C; older notation c.1818delC).
Protein change: p.Trp607fs; shifts the reading frame from tryptophan 607.
Molecular consequence: frameshift variant.
Genome position (GRCh38, 1-based): chr15:89,325,581, G deleted on the plus strand (C on the coding strand, the reverse complement: POLG is on the minus strand); the first of 2 consecutive G bases (chr15:89,325,581-89,325,582); deleting either gives the same sequence. VCF-style (leftmost placement, unchanged base first): chr15-89325580-AG-A. GRCh37 (hg19) VCF-style: chr15-89868811-AG-A.
Other names: c.1818del, p.Trp607fs (NM_001126131.2); short protein forms W607fs.
Identifiers: ClinVar variation 936926 (VCV000936926.10), dbSNP rs2055505065, ClinGen allele CA1139664122.